The following is an entry in ClinVar:

ClinVar aggregate classification (germline): Pathogenic (1 of 4 stars; one submission).

Conditions:
Fanconi anemia (FA). Also called: Fanconi's anemia. Identifiers: Orphanet 84, MedGen C0015625, MeSH D005199, MONDO:0019391.

Submission:

Labcorp Genetics (formerly Invitae), Labcorp
Classification: Pathogenic for Fanconi anemia. Last evaluated: 2021-08-20. Review status: criteria provided, single submitter. Criteria: Invitae Variant Classification Sherloc (09022015). Collection method: clinical testing. Allele origin: germline.
Comment: This variant is a gross deletion of the genomic region encompassing exon(s) 30-43 of the FANCA gene, which includes the termination codon. This deletion extends beyond the assayed region for this gene and therefore may encompass additional genes. While this deletion is not anticipated to lead to nonsense mediated decay, it is expected to alter mRNA translation or result in a truncated protein product. A similar copy number variant has been observed in individuals with Fanconi anemia (PMID: 29098742). This variant disrupts a region of the FANCA protein in which other variant(s) (Deletion (Exons 31-43)) have been determined to be pathogenic (Invitae). This suggests that this is a clinically significant region of the protein, and that variants that disrupt it are likely to be disease-causing. For these reasons, this variant has been classified as Pathogenic.

Literature cited by the submitters: PubMed 29098742.

NC_000016.9:g.(?_89805009)_(89825123_?)del

Genes: FANCA (FA complementation group A; minus strand), ZNF276 (zinc finger protein 276; plus strand). Cytogenetic location: 16q24.3.
Variant type: Deletion.
Identifiers: ClinVar variation 2422432 (VCV002422432.1).